The following is an entry in ClinVar:

ClinVar aggregate classification (germline): Uncertain significance (1 of 4 stars; one submission).

Conditions:
Multiple endocrine neoplasia, type 1 (MEN1). Also called: MEA I; MEN I; WERMER SYNDROME; Endocrine adenomatosis multiple; MEN 1. Identifiers: Orphanet 652, MedGen C0025267, MeSH D018761, MONDO:0007540, OMIM 131100.

Submission:

Labcorp Genetics (formerly Invitae), Labcorp
Classification: Uncertain significance for Multiple endocrine neoplasia, type 1. Last evaluated: 2023-12-12. Review status: criteria provided, single submitter. Criteria: Invitae Variant Classification Sherloc (09022015). Collection method: clinical testing. Allele origin: germline.
Comment: A copy number gain of the genomic region encompassing the full coding sequence of the MEN1 gene has been identified. The boundaries of this event are unknown as they extend beyond the assayed region for this gene and therefore may encompass additional genes. As the precise location of this event is unknown, it may be in tandem or it may be located elsewhere in the genome. This variant has not been reported in the literature in individuals affected with MEN1-related conditions. In summary, the available evidence is currently insufficient to determine the role of this variant in disease. Therefore, it has been classified as a Variant of Uncertain Significance.

NC_000011.10:g.(?_64804334)_(64810716_?)dup

Gene: MEN1 (menin 1; minus strand). Cytogenetic location: 11q13.1.
Variant type: Duplication.
Identifiers: ClinVar variation 833158 (VCV000833158.5).